The following is an entry in ClinVar:

ClinVar aggregate classification (germline): Likely pathogenic (1 of 4 stars; one submission).

Conditions:
Lambdoidal craniosynostosis. Identifiers: MedGen C1833340, HP:0004443.

Submission:

Johns Hopkins Genomics, Johns Hopkins University
Classification: Likely pathogenic for Craniosynostosis 4. Last evaluated: 2020-06-30. Review status: criteria provided, single submitter. Criteria: ACMG Guidelines, 2015. Collection method: clinical testing. Allele origin: germline.
Comment: This ERF variant is absent in a large population dataset and has not been reported previously in the literature to our knowledge. This frameshift variant is predicted to lead to a premature stop codon in the last exon of the gene, likely escaping nonsense-mediated decay and resulting in a truncated protein product. We consider c.1049delT to be likely pathogenic.

Literature cited by the submitters: PubMed 23354439; PubMed 26097063; PubMed 27738187; PubMed 30758909.

NM_006494.4(ERF):c.1049del (p.Leu350fs)

Gene: ERF (ETS2 repressor factor; minus strand). Cytogenetic location: 19q13.2.
Variant type: Deletion.
Coding change: c.1049del on transcript NM_006494.4 (MANE Select); coding-DNA position 1049, one base deleted (T; older notation c.1049delT).
Protein change: p.Leu350fs; shifts the reading frame from leucine 350.
Molecular consequence: frameshift variant.
Genome position (GRCh38, 1-based): chr19:42,249,063, A deleted on the plus strand (T on the coding strand, the reverse complement: ERF is on the minus strand). VCF-style (leftmost placement, unchanged base first): chr19-42249062-CA-C. GRCh37 (hg19) VCF-style: chr19-42753214-CA-C.
Other names: c.824del, p.Leu275fs (NM_001301035.2, NM_001308402.2, NM_001312656.2); short protein forms L275fs, L350fs.
Identifiers: ClinVar variation 977100 (VCV000977100.1), dbSNP rs2036390617, ClinGen allele CA1139666472.